The following is an entry in ClinVar:

ClinVar aggregate classification (germline): Uncertain significance (1 of 4 stars; one submission).

Conditions:
Dilated cardiomyopathy 1DD (CMD1DD). Identifiers: Orphanet 154, MedGen C2750995, MONDO:0013168, OMIM 613172.

gnomAD v4.1: 2 of 1,550,968 alleles (0.00013%); highest among the groups gnomAD compares: Non-Finnish European, 0.00017%; no homozygotes.

Submission:

Labcorp Genetics (formerly Invitae), Labcorp
Classification: Uncertain significance for Dilated cardiomyopathy 1DD. Last evaluated: 2023-12-21. Review status: criteria provided, single submitter. Criteria: Invitae Variant Classification Sherloc (09022015). Collection method: clinical testing. Allele origin: germline.
Comment: This sequence change replaces glycine, which is neutral and non-polar, with valine, which is neutral and non-polar, at codon 366 of the RBM20 protein (p.Gly366Val). This variant is not present in population databases (gnomAD no frequency). This variant has not been reported in the literature in individuals affected with RBM20-related conditions. Advanced modeling of protein sequence and biophysical properties (such as structural, functional, and spatial information, amino acid conservation, physicochemical variation, residue mobility, and thermodynamic stability) performed at Invitae indicates that this missense variant is not expected to disrupt RBM20 protein function with a negative predictive value of 95%. In summary, the available evidence is currently insufficient to determine the role of this variant in disease. Therefore, it has been classified as a Variant of Uncertain Significance.

NM_001134363.3(RBM20):c.1097G>T (p.Gly366Val)

Gene: RBM20 (RNA binding motif protein 20; plus strand). Cytogenetic location: 10q25.2.
Variant type: single nucleotide variant.
Coding change: c.1097G>T on transcript NM_001134363.3 (MANE Select); coding-DNA position 1097, G replaced by T.
Protein change: p.Gly366Val; replaces glycine 366 with valine.
Molecular consequence: missense variant.
Genome position (GRCh38, 1-based): chr10:110,781,706, G>T. VCF-style: chr10-110781706-G-T. GRCh37 (hg19) VCF-style: chr10-112541464-G-T.
Other names: short protein forms G366V.
Identifiers: ClinVar variation 2989598 (VCV002989598.3), dbSNP rs1201270166, ClinGen allele CA378385605.